The following is an entry in ClinVar:

ClinVar aggregate classification (germline): Uncertain significance (1 of 4 stars; one submission).

Conditions:
GM3 synthase deficiency (SPDRS). Also called: SALT AND PEPPER MENTAL RETARDATION SYNDROME; AMISH INFANTILE EPILEPSY SYNDROME; SALT AND PEPPER DEVELOPMENTAL REGRESSION SYNDROME. Identifiers: Orphanet 171714, Orphanet 370933, MedGen C1836824, MONDO:0018274, OMIM 609056.

Submission:

Labcorp Genetics (formerly Invitae), Labcorp
Classification: Uncertain significance for GM3 synthase deficiency. Last evaluated: 2024-10-22. Review status: criteria provided, single submitter. Criteria: Invitae Variant Classification Sherloc (09022015). Collection method: clinical testing. Allele origin: germline.
Comment: This sequence change replaces serine, which is neutral and polar, with glycine, which is neutral and non-polar, at codon 61 of the ST3GAL5 protein (p.Ser61Gly). This variant is not present in population databases (gnomAD no frequency). This variant has not been reported in the literature in individuals affected with ST3GAL5-related conditions. ClinVar contains an entry for this variant (Variation ID: 2131569). Invitae Evidence Modeling of protein sequence and biophysical properties (such as structural, functional, and spatial information, amino acid conservation, physicochemical variation, residue mobility, and thermodynamic stability) has been performed for this missense variant. However, the output from this modeling did not meet the statistical confidence thresholds required to predict the impact of this variant on ST3GAL5 protein function. In summary, the available evidence is currently insufficient to determine the role of this variant in disease. Therefore, it has been classified as a Variant of Uncertain Significance.

NM_003896.4(ST3GAL5):c.181A>G (p.Ser61Gly)

Gene: ST3GAL5 (ST3 beta-galactoside alpha-2,3-sialyltransferase 5; minus strand). Cytogenetic location: 2p11.2.
Variant type: single nucleotide variant.
Coding change: c.181A>G on transcript NM_003896.4 (MANE Select); coding-DNA position 181, A replaced by G.
Protein change: p.Ser61Gly; replaces serine 61 with glycine.
Molecular consequence: missense variant. On other transcripts: 5 prime UTR variant (5).
Genome position (GRCh38, 1-based): chr2:85,863,387, T>C on the plus strand (A>G on the coding strand, the complement: ST3GAL5 is on the minus strand). VCF-style: chr2-85863387-T-C. GRCh37 (hg19) VCF-style: chr2-86090510-T-C.
Other names: c.112A>G, p.Ser38Gly (NM_001042437.2); c.-381A>G (NM_001354223.2, NM_001354226.2); c.-444A>G (NM_001354224.2); c.97A>G, p.Ser33Gly (NM_001354227.2, NM_001354229.2, NM_001354238.1); c.-821A>G (NM_001354233.2); c.-785A>G (NM_001354234.1); c.181A>G, p.Ser61Gly (NM_001363847.1); short protein forms S38G, S33G, S61G.
Identifiers: ClinVar variation 2131569 (VCV002131569.4), dbSNP rs2467190648, ClinGen allele CA347534837.
Genomic context (GRCh38, chr2:85,863,387, plus strand): 5'-GCAGGGGGATCTACAGTCCCAGGGGCGGTACTTACTTGAGGATGTCTTTTAATAACAAGC[T>C]GGGCCTTCTCATCTTGCTTTGAGCTCGGGTGTACCATTGCAGGGAAGGCCTCGAGCAATC-3'
Protein context (NP_003887.3, residues 51-71): TRAQSKMRRP[Ser61Gly]LLLKDILKCT